The following is an entry in ClinVar:

ClinVar aggregate classification (germline): Pathogenic (1 of 4 stars; one submission).

Conditions:
Neuromuscular disease caused by qualitative or quantitative defects of dysferlin. Also called: Dysferlinopathy; Qualitative or quantitative defects of dysferlin. Identifiers: Orphanet 207073, MedGen C2931687, MONDO:0016145.

Submission:

Labcorp Genetics (formerly Invitae), Labcorp
Classification: Pathogenic for Neuromuscular disease caused by qualitative or quantitative defects of dysferlin. Last evaluated: 2022-01-24. Review status: criteria provided, single submitter. Criteria: Invitae Variant Classification Sherloc (09022015). Collection method: clinical testing. Allele origin: germline.
Comment: For these reasons, this variant has been classified as Pathogenic. Algorithms developed to predict the effect of sequence changes on RNA splicing suggest that this variant may disrupt the consensus splice site. Disruption of this splice site has been observed in individual(s) with limb-girdle muscular dystrophy (PMID: 17994539). This variant is not present in population databases (gnomAD no frequency). This sequence change affects a donor splice site in intron 12 of the DYSF gene. It is expected to disrupt RNA splicing. Variants that disrupt the donor or acceptor splice site typically lead to a loss of protein function (PMID: 16199547), and loss-of-function variants in DYSF are known to be pathogenic (PMID: 17698709, 20301480).

Literature cited by the submitters: PubMed 17994539; PubMed 16199547; PubMed 17698709; PubMed 20301480.

NM_001130987.2(DYSF):c.1276+2T>A

Gene: DYSF (dysferlin; plus strand). Cytogenetic location: 2p13.2.
Variant type: single nucleotide variant.
Coding change: c.1276+2T>A on transcript NM_001130987.2 (MANE Select); the canonical splice donor site of the intron after coding-DNA position 1276, T replaced by A.
Molecular consequence: splice donor variant.
Genome position (GRCh38, 1-based): chr2:71,526,348, T>A. VCF-style: chr2-71526348-T-A. GRCh37 (hg19) VCF-style: chr2-71753478-T-A.
Other names: c.1273+2T>A (NM_001130979.2, NM_001130981.2, NM_001130980.2); c.1180+2T>A (NM_001130978.2, NM_003494.4, NM_001130977.2 and 1 more transcripts); c.1276+2T>A (NM_001130982.2, NM_001130985.2); c.1183+2T>A (NM_001130983.2, NM_001130455.2, NM_001130984.2 and 1 more transcripts).
Identifiers: ClinVar variation 2087252 (VCV002087252.4), dbSNP rs2545492910, ClinGen allele CA347213700.